The following is an entry in ClinVar:

NM_001408.3(CELSR2):c.8646A>G (p.Pro2882=)

Gene: CELSR2 (cadherin EGF LAG seven-pass G-type receptor 2; plus strand). Cytogenetic location: 1p13.3.
Variant type: single nucleotide variant.
Coding change: c.8646A>G on transcript NM_001408.3 (MANE Select); coding-DNA position 8646, A replaced by G.
Protein change: p.Pro2882=; no amino-acid change (proline 2882 retained).
Molecular consequence: synonymous variant.
Genome position (GRCh38, 1-based): chr1:109,273,572, A>G. VCF-style: chr1-109273572-A-G. GRCh37 (hg19) VCF-style: chr1-109816194-A-G.
Identifiers: ClinVar variation 744025 (VCV000744025.10), dbSNP rs766950570, ClinGen allele CA988654.
Genomic context (GRCh38, chr1:109,273,572, plus strand): 5'-AGGGTCTTCCCGGGGCTCCTCCGCTAGTGAGGGCAGCCGGGGAGGCCCCCCTCCCCGCCC[A>G]CCGCCCCGGCAGAGCCTCCAGGAGCAGCTGAACGGGGTCATGCCCATCGCCATGAGCATC-3'
Protein context (NP_001399.1, residues 2872-2892): EGSRGGPPPR[Pro2882=]PPRQSLQEQL

ClinVar aggregate classification (germline): Likely benign. Review status: criteria provided, single submitter (1 of 4 stars). 2 submissions from 2 submitters: Likely benign (1). 1 of the submissions does not count toward it. Last evaluated 2026-01-12.

Conditions:
CELSR2-related disorder. Also called: CELSR2-related condition.

Allele frequency attached by ClinVar (database versions not stated): gnomAD exomes 0.00018 and 0.00023; TOPMed 0.00019; gnomAD 0.00016 and 0.00017.
gnomAD v4.1: 350 of 1,561,348 alleles (0.022%); highest among the groups gnomAD compares: Middle Eastern, 0.14%; 2 homozygotes.

Submissions (2):

Labcorp Genetics (formerly Invitae), Labcorp
Classification: Likely benign. Last evaluated: 2026-01-12. Review status: criteria provided, single submitter. Criteria: Invitae Variant Classification Sherloc (09022015). Collection method: clinical testing. Allele origin: germline.

PreventionGenetics, part of Exact Sciences
Classification: Likely benign for CELSR2-related condition. Last evaluated: 2019-06-06. Review status: no assertion criteria provided. Collection method: clinical testing. Allele origin: germline. Not counted in ClinVar's aggregate classification.
Comment: This variant is classified as likely benign based on ACMG/AMP sequence variant interpretation guidelines (Richards et al. 2015 PMID: 25741868, with internal and published modifications).